The following is an entry in ClinVar:

ClinVar aggregate classification (germline): Pathogenic (1 of 4 stars; one submission).

Conditions:
Polycystic kidney disease 4 (PKD4). Also called: POLYCYSTIC KIDNEY AND HEPATIC DISEASE 1; POLYCYSTIC KIDNEY DISEASE, INFANTILE, TYPE I; POLYCYSTIC KIDNEY DISEASE 4 WITH OR WITHOUT POLYCYSTIC LIVER DISEASE; PKD3; Autosomal Recessive Polycystic Kidney Disease – PKHD1. Identifiers: MedGen C4540575, MONDO:0033004, OMIM 263200.

Submission:

Myriad Genetics, Inc.
Classification: Pathogenic for Polycystic kidney disease 4. Last evaluated: 2023-09-27. Review status: criteria provided, single submitter. Criteria: Myriad Autosomal Dominant, Autosomal Recessive and X-Linked Classification Criteria (2023). Collection method: clinical testing. Allele origin: unknown.
Comment: NM_138694.3(PKHD1):c.8270dupC(G2758Rfs*5) is expected to be pathogenic in the context of autosomal recessive polycystic kidney disease, PKHD1-related. This variant is predicted to lead to an abnormal or absent protein product due to the creation of a premature termination codon in PKHD1, a gene where loss-of-function variants are known to be pathogenic. Please note: this variant was assessed in the context of healthy population screening.

NM_138694.4(PKHD1):c.8270dup (p.Gly2758fs)

Gene: PKHD1 (PKHD1 ciliary IPT domain containing fibrocystin/polyductin; minus strand). Cytogenetic location: 6p12.2.
Variant type: Duplication.
Coding change: c.8270dup on transcript NM_138694.4 (MANE Select); coding-DNA position 8270, one base duplicated (C; older notation c.8270dupC).
Protein change: p.Gly2758fs; shifts the reading frame from glycine 2758.
Molecular consequence: frameshift variant.
Genome position (GRCh38, 1-based): chr6:51,830,893, G duplicated on the plus strand (C on the coding strand, the reverse complement: PKHD1 is on the minus strand); the first of 2 consecutive G bases (chr6:51,830,893-51,830,894); duplicating either gives the same sequence. VCF-style (leftmost placement, unchanged base first): chr6-51830892-T-TG. GRCh37 (hg19) VCF-style: chr6-51695690-T-TG.
Other names: c.8270dup, p.Gly2758fs (NM_170724.3); short protein forms G2758fs.
Identifiers: ClinVar variation 5012240 (VCV005012240.1).